The following is an entry in ClinVar:

ClinVar aggregate classification (germline): Uncertain significance (1 of 4 stars; one submission).

Conditions:
Developmental and epileptic encephalopathy, 11 (DEE11). Also called: Early infantile epileptic encephalopathy 11. Identifiers: Orphanet 1934, MedGen C3150987, MONDO:0013388, OMIM 613721.
Seizures, benign familial infantile, 3 (BFIS3). Also called: Familial neonatal seizures; CONVULSIONS, BENIGN FAMILIAL INFANTILE, 3. Identifiers: Orphanet 140927, Orphanet 306, MedGen C1843140, MONDO:0011904, OMIM 607745.

gnomAD v4.1: 1 of 1,614,118 alleles (0.000062%); highest among the groups gnomAD compares: Non-Finnish European, 0.000085%; no homozygotes.

Submission:

Labcorp Genetics (formerly Invitae), Labcorp
Classification: Uncertain significance for Seizures, benign familial infantile, 3; Developmental and epileptic encephalopathy, 11. Last evaluated: 2025-03-19. Review status: criteria provided, single submitter. Criteria: Invitae Variant Classification Sherloc (09022015). Collection method: clinical testing. Allele origin: germline.
Comment: This sequence change replaces asparagine, which is neutral and polar, with serine, which is neutral and polar, at codon 1702 of the SCN2A protein (p.Asn1702Ser). This variant is not present in population databases (gnomAD no frequency). This variant has not been reported in the literature in individuals affected with SCN2A-related conditions. Invitae Evidence Modeling of protein sequence and biophysical properties (such as structural, functional, and spatial information, amino acid conservation, physicochemical variation, residue mobility, and thermodynamic stability) indicates that this missense variant is expected to disrupt SCN2A protein function with a positive predictive value of 95%. In summary, the available evidence is currently insufficient to determine the role of this variant in disease. Therefore, it has been classified as a Variant of Uncertain Significance.

NM_001040142.2(SCN2A):c.5105A>G (p.Asn1702Ser)

Gene: SCN2A (sodium voltage-gated channel alpha subunit 2; plus strand). Cytogenetic location: 2q24.3.
Variant type: single nucleotide variant.
Coding change: c.5105A>G on transcript NM_001040142.2 (MANE Select); coding-DNA position 5105, A replaced by G.
Protein change: p.Asn1702Ser; replaces asparagine 1702 with serine.
Molecular consequence: missense variant.
Genome position (GRCh38, 1-based): chr2:165,388,911, A>G. VCF-style: chr2-165388911-A-G. GRCh37 (hg19) VCF-style: chr2-166245421-A-G.
Other names: c.5105A>G, p.Asn1702Ser (NM_001040143.2, NM_001371246.1, NM_001371247.1 and 1 more transcripts); short protein forms N1702S.
Identifiers: ClinVar variation 4794099 (VCV004794099.1).